The following is an entry in ClinVar:

NM_001165963.4(SCN1A):c.4734G>T (p.Leu1578=)

Genes: SCN1A (sodium voltage-gated channel alpha subunit 1; minus strand), LOC102724058 (uncharacterized LOC102724058; plus strand). Cytogenetic location: 2q24.3.
Variant type: single nucleotide variant.
Coding change: c.4734G>T on transcript NM_001165963.4 (MANE Select); coding-DNA position 4734, G replaced by T.
Protein change: p.Leu1578=; no amino-acid change (leucine 1578 retained).
Molecular consequence: synonymous variant. On other transcripts: non-coding transcript variant (1).
Genome position (GRCh38, 1-based): chr2:165,994,264, C>A on the plus strand (G>T on the coding strand, the complement: SCN1A is on the minus strand). VCF-style: chr2-165994264-C-A. GRCh37 (hg19) VCF-style: chr2-166850774-C-A.
Other names: c.4650G>T, p.Leu1550= (NM_001165964.3, NM_001353957.2, NM_001353958.2); c.4734G>T, p.Leu1578= (NM_001202435.3, NM_001353948.2); c.4701G>T, p.Leu1567= (NM_001353949.2, NM_001353950.2, NM_001353951.2 and 2 more transcripts); c.4698G>T, p.Leu1566= (NM_001353954.2, NM_001353955.2); c.4647G>T, p.Leu1549= (NM_001353960.2); c.2292G>T, p.Leu764= (NM_001353961.2).
Identifiers: ClinVar variation 2651495 (VCV002651495.24), dbSNP rs758734319, ClinGen allele CA429902890.
Genomic context (GRCh38, chr2:165,994,264, plus strand): 5'-ATAATGGCGTAGAGAGATGAGTTTCAGTACACACTCTCCAGTAAATAGCACAATGAACAC[C>A]AGATTGATGCGTGACAAAATGGTAGTCACATATTCACTCTGGTCATCTGTTTCCACCATC-3'
Protein context (NP_001159435.1, residues 1568-1588): YVTTILSRIN[Leu1578=]VFIVLFTGEC

ClinVar aggregate classification (germline): Likely benign (1 of 4 stars; one submission).

Allele frequency attached by ClinVar (database versions not stated): TOPMed below 0.00001.
gnomAD v4.1: 18 of 1,613,120 alleles (0.0011%); highest among the groups gnomAD compares: Non-Finnish European, 0.0015%; no homozygotes.

Submission:

CeGaT Center for Human Genetics Tuebingen
Classification: Likely benign. Last evaluated: 2022-08-01. Review status: criteria provided, single submitter. Criteria: CeGaT Center For Human Genetics Tuebingen Variant Classification Criteria Version 2. Collection method: clinical testing. Allele origin: germline. Affected: yes. Observed: 1 variant allele.
Comment: SCN1A: PM2:Supporting, BP4, BP7